The following is an entry in ClinVar:

ClinVar aggregate classification (germline): Uncertain significance (1 of 4 stars; one submission).

Conditions:
Schuurs-Hoeijmakers syndrome. Also called: PACS1-Related Neurodevelopmental Disorder. Identifiers: Orphanet 329224, MedGen C3554343, MONDO:0014006, OMIM 615009.

Submission:

Labcorp Genetics (formerly Invitae), Labcorp
Classification: Uncertain significance for Schuurs-Hoeijmakers syndrome. Last evaluated: 2023-08-27. Review status: criteria provided, single submitter. Criteria: Invitae Variant Classification Sherloc (09022015). Collection method: clinical testing. Allele origin: germline.
Comment: In summary, the available evidence is currently insufficient to determine the role of this variant in disease. Therefore, it has been classified as a Variant of Uncertain Significance. Advanced modeling of protein sequence and biophysical properties (such as structural, functional, and spatial information, amino acid conservation, physicochemical variation, residue mobility, and thermodynamic stability) performed at Invitae indicates that this missense variant is not expected to disrupt PACS1 protein function. This variant has not been reported in the literature in individuals affected with PACS1-related conditions. This variant is not present in population databases (gnomAD no frequency). This sequence change replaces aspartic acid, which is acidic and polar, with histidine, which is basic and polar, at codon 585 of the PACS1 protein (p.Asp585His).

NM_018026.4(PACS1):c.1753G>C (p.Asp585His)

Gene: PACS1 (phosphofurin acidic cluster sorting protein 1; plus strand). Cytogenetic location: 11q13.2.
Variant type: single nucleotide variant.
Coding change: c.1753G>C on transcript NM_018026.4 (MANE Select); coding-DNA position 1753, G replaced by C.
Protein change: p.Asp585His; replaces aspartic acid 585 with histidine.
Molecular consequence: missense variant.
Genome position (GRCh38, 1-based): chr11:66,232,981, G>C. VCF-style: chr11-66232981-G-C. GRCh37 (hg19) VCF-style: chr11-66000452-G-C.
Other names: short protein forms D585H.
Identifiers: ClinVar variation 2802866 (VCV002802866.3), dbSNP rs2495586363, ClinGen allele CA381370312.